The following is an entry in ClinVar:

NM_004369.4(COL6A3):c.913G>A (p.Val305Ile)

Gene: COL6A3 (collagen type VI alpha 3 chain; minus strand). Cytogenetic location: 2q37.3.
Variant type: single nucleotide variant.
Coding change: c.913G>A on transcript NM_004369.4 (MANE Select); coding-DNA position 913, G replaced by A.
Protein change: p.Val305Ile; replaces valine 305 with isoleucine.
Molecular consequence: missense variant. On other transcripts: intron variant (2).
Genome position (GRCh38, 1-based): chr2:237,387,981, C>T on the plus strand (G>A on the coding strand, the complement: COL6A3 is on the minus strand). VCF-style: chr2-237387981-C-T. GRCh37 (hg19) VCF-style: chr2-238296624-C-T.
Other names: c.295G>A, p.Val99Ile (NM_057165.5, NM_057167.4); c.92-6482G>A (NM_057166.5, NM_057164.5); short protein forms V99I, V305I.
Identifiers: ClinVar variation 707797 (VCV000707797.11), dbSNP rs564041158, ClinGen allele CA2189751.
Genomic context (GRCh38, chr2:237,387,981, plus strand): 5'-CGAGGCCGATATTGGCCAACTCCCCACCAGCAAACCCGAGGGCTTTCACTGCACCCAGAA[C>T]CTGGGCCTTGGTGGAGTAGGTGTCCAAGGAGAACATGGTTCTGGGCTCATCGCTAAACTG-3'
Protein context (NP_004360.2, residues 295-315): SLDTYSTKAQ[Val305Ile]LGAVKALGFA

ClinVar aggregate classification (germline): Conflicting classifications of pathogenicity. Review status: criteria provided, conflicting classifications (1 of 4 stars). 3 submissions from 3 submitters: Uncertain significance (2); Likely benign (1). Last evaluated 2026-01-21.

Conditions:
Inborn genetic diseases. Identifiers: MedGen C0950123, MeSH D030342.
Bethlem myopathy 1A. Also called: MYOPATHY, BENIGN CONGENITAL, WITH CONTRACTURES; Bethlem Muscular Dystrophy; Bethlem myopathy 1. Identifiers: Orphanet 610, MedGen CN029274, MONDO:0024530, OMIM 158810.

Allele frequency attached by ClinVar (database versions not stated): gnomAD below 0.00001 and 0.00009; TOPMed 0.00002; 1000 Genomes Project 30x 0.00016; 1000 Genomes Project 0.00020; gnomAD exomes 0.00035; ExAC 0.00044.
gnomAD v4.1: 271 of 1,614,216 alleles (0.017%); highest among the groups gnomAD compares: South Asian, 0.28%; 1 homozygote.

Submissions (3):

Labcorp Genetics (formerly Invitae), Labcorp
Classification: Likely benign for Bethlem myopathy 1A. Last evaluated: 2026-01-21. Review status: criteria provided, single submitter. Criteria: Invitae Variant Classification Sherloc (09022015). Collection method: clinical testing. Allele origin: germline.

Ambry Genetics
Classification: Uncertain significance for Inborn genetic diseases. Last evaluated: 2025-10-17. Review status: criteria provided, single submitter. Criteria: Ambry Variant Classification Scheme 2023. Collection method: clinical testing. Allele origin: germline.

GeneDx
Classification: Uncertain significance. Last evaluated: 2023-03-14. Review status: criteria provided, single submitter. Criteria: GeneDx Variant Classification Process June 2021. Collection method: clinical testing. Allele origin: germline. Affected: yes.
Comment: In silico analysis supports that this missense variant does not alter protein structure/function; Has not been previously published as pathogenic or benign to our knowledge